The following is an entry in ClinVar:

NM_016599.5(MYOZ2):c.706C>A (p.Pro236Thr)

Gene: MYOZ2 (myozenin 2; plus strand). Cytogenetic location: 4q26.
Variant type: single nucleotide variant.
Coding change: c.706C>A on transcript NM_016599.5 (MANE Select); coding-DNA position 706, C replaced by A.
Protein change: p.Pro236Thr; replaces proline 236 with threonine.
Molecular consequence: missense variant.
Genome position (GRCh38, 1-based): chr4:119,186,111, C>A. VCF-style: chr4-119186111-C-A. GRCh37 (hg19) VCF-style: chr4-120107266-C-A.
Other names: short protein forms P236T.
Identifiers: ClinVar variation 2140282 (VCV002140282.4), dbSNP rs746162581, ClinGen allele CA358202257.

ClinVar aggregate classification (germline): Uncertain significance (1 of 4 stars; one submission).

Conditions:
Hypertrophic cardiomyopathy. Also called: HYPERTROPHIC MYOCARDIOPATHY. Identifiers: Orphanet 217569, MedGen C0007194, MeSH D002312, MONDO:0005045, HP:0001639.

gnomAD v4.1: 1 of 1,613,702 alleles (0.000062%); highest among the groups gnomAD compares: Non-Finnish European, 0.000085%; no homozygotes.

Submission:

Labcorp Genetics (formerly Invitae), Labcorp
Classification: Uncertain significance for Hypertrophic cardiomyopathy. Last evaluated: 2022-06-27. Review status: criteria provided, single submitter. Criteria: Invitae Variant Classification Sherloc (09022015). Collection method: clinical testing. Allele origin: germline.
Comment: This sequence change replaces proline, which is neutral and non-polar, with threonine, which is neutral and polar, at codon 236 of the MYOZ2 protein (p.Pro236Thr). This variant is not present in population databases (gnomAD no frequency). This variant has not been reported in the literature in individuals affected with MYOZ2-related conditions. Algorithms developed to predict the effect of missense changes on protein structure and function are either unavailable or do not agree on the potential impact of this missense change (SIFT: "Deleterious"; PolyPhen-2: "Possibly Damaging"; Align-GVGD: "Class C0"). In summary, the available evidence is currently insufficient to determine the role of this variant in disease. Therefore, it has been classified as a Variant of Uncertain Significance.